The following is an entry in ClinVar:

NM_032802.4(SPPL2A):c.32G>A (p.Gly11Glu)

Genes: SPPL2A (signal peptide peptidase like 2A; minus strand), LOC130057047 (ATAC-STARR-seq lymphoblastoid silent region 6430; plus strand). Cytogenetic location: 15q21.2.
Variant type: single nucleotide variant.
Coding change: c.32G>A on transcript NM_032802.4 (MANE Select); coding-DNA position 32, G replaced by A.
Protein change: p.Gly11Glu; replaces glycine 11 with glutamic acid.
Molecular consequence: missense variant.
Genome position (GRCh38, 1-based): chr15:50,765,502, C>T on the plus strand (G>A on the coding strand, the complement: SPPL2A is on the minus strand). VCF-style: chr15-50765502-C-T. GRCh37 (hg19) VCF-style: chr15-51057699-C-T.
Other names: short protein forms G11E.
Identifiers: ClinVar variation 1909606 (VCV001909606.5), dbSNP rs1201721537, ClinGen allele CA392462357.

ClinVar aggregate classification (germline): Uncertain significance (1 of 4 stars; one submission).

Allele frequency attached by ClinVar (database versions not stated): gnomAD exomes below 0.00001.
gnomAD v4.1: 1 of 1,502,232 alleles (0.000067%); highest among the groups gnomAD compares: Admixed American, 0.0021%; no homozygotes.

Submission:

Labcorp Genetics (formerly Invitae), Labcorp
Classification: Uncertain significance. Last evaluated: 2023-06-24. Review status: criteria provided, single submitter. Criteria: Invitae Variant Classification Sherloc (09022015). Collection method: clinical testing. Allele origin: germline.
Comment: In summary, the available evidence is currently insufficient to determine the role of this variant in disease. Therefore, it has been classified as a Variant of Uncertain Significance. An algorithm developed to predict the effect of missense changes on protein structure and function (PolyPhen-2) suggests that this variant is likely to be tolerated. ClinVar contains an entry for this variant (Variation ID: 1909606). This variant has not been reported in the literature in individuals affected with SPPL2A-related conditions. The frequency data for this variant in the population databases is considered unreliable, as metrics indicate poor data quality at this position in the gnomAD database. This sequence change replaces glycine, which is neutral and non-polar, with glutamic acid, which is acidic and polar, at codon 11 of the SPPL2A protein (p.Gly11Glu).